The following is an entry in ClinVar:

NM_006766.5(KAT6A):c.1942A>C (p.Met648Leu)

Gene: KAT6A (lysine acetyltransferase 6A; minus strand). Cytogenetic location: 8p11.21.
Variant type: single nucleotide variant.
Coding change: c.1942A>C on transcript NM_006766.5 (MANE Select); coding-DNA position 1942, A replaced by C.
Protein change: p.Met648Leu; replaces methionine 648 with leucine.
Molecular consequence: missense variant.
Genome position (GRCh38, 1-based): chr8:41,946,645, T>G on the plus strand (A>C on the coding strand, the complement: KAT6A is on the minus strand). VCF-style: chr8-41946645-T-G. GRCh37 (hg19) VCF-style: chr8-41804163-T-G.
Other names: c.1942A>C, p.Met648Leu (NM_001305878.2); short protein forms M648L.
Identifiers: ClinVar variation 3531855 (VCV003531855.2).

ClinVar aggregate classification (germline): Conflicting classifications of pathogenicity. Review status: criteria provided, conflicting classifications (1 of 4 stars). 2 submissions from 2 submitters: Uncertain significance (1); Likely benign (1). Last evaluated 2025-02-14.

Conditions:
Autosomal dominant intellectual disability-craniofacial anomalies-cardiac defects syndrome (ARTHS). Also called: Arboleda-Tham syndrome; Mental retardation, autosomal dominant 32; KAT6A syndrome. Identifiers: Orphanet 457193, MedGen C4225396, MONDO:0014558, OMIM 616268.
Inborn genetic diseases. Identifiers: MedGen C0950123, MeSH D030342.

Submissions (2):

Clinical Genetics Laboratory, University Hospital Schleswig-Holstein
Classification: Likely benign for Autosomal dominant intellectual disability-craniofacial anomalies-cardiac defects syndrome. Last evaluated: 2025-02-14. Review status: criteria provided, single submitter. Criteria: ACMG Guidelines, 2015. Collection method: clinical testing. Allele origin: paternal. Affected: yes. Observed: 1 heterozygote.
Comment: ACMG criteria applied: PM2, PM1_Supporting, BS4

Ambry Genetics
Classification: Uncertain significance for Inborn genetic diseases. Last evaluated: 2024-11-30. Review status: criteria provided, single submitter. Criteria: Ambry Variant Classification Scheme 2023. Collection method: clinical testing. Allele origin: germline.
Comment: The c.1942A>C (p.M648L) alteration is located in exon 12 (coding exon 11) of the KAT6A gene. This alteration results from an A to C substitution at nucleotide position 1942, causing the methionine (M) at amino acid position 648 to be replaced by a leucine (L). This variant was not reported in population-based cohorts in the Genome Aggregation Database (gnomAD). This amino acid position is highly conserved in available vertebrate species. The in silico prediction for this alteration is inconclusive. Based on insufficient or conflicting evidence, the clinical significance of this alteration remains unclear.